The following is an entry in ClinVar:

NM_001330078.2(NRXN1):c.3365-109705C>G

Gene: NRXN1 (neurexin 1; minus strand). Cytogenetic location: 2p16.3.
Variant type: single nucleotide variant.
Coding change: c.3365-109705C>G on transcript NM_001330078.2 (MANE Select); 109705 bases into the intron before coding-DNA position 3365, C replaced by G.
Molecular consequence: intron variant.
Genome position (GRCh38, 1-based): chr2:50,346,675, G>C on the plus strand (C>G on the coding strand, the complement: NRXN1 is on the minus strand). VCF-style: chr2-50346675-G-C. GRCh37 (hg19) VCF-style: chr2-50573813-G-C.
Other names: c.3254-109705C>G (NM_001330096.2, NM_001330087.2); c.3299-109705C>G (NM_001330083.2, NM_001330084.2); c.3284-109705C>G (NM_001330088.2); c.3362-109705C>G (NM_001330093.2); c.3353-109705C>G (NM_001330094.2); c.3314-109705C>G (NM_001330095.2); c.3341-109705C>G (NM_001330082.2, NM_001330077.2); c.3338-109705C>G (NM_001330085.2); and 3 more.
Identifiers: ClinVar variation 509044 (VCV000509044.1), dbSNP rs1227805288, ClinGen allele CA532707768.

ClinVar aggregate classification (germline): Likely benign (1 of 4 stars; one submission).

gnomAD v4.1: 1 of 1,612,188 alleles (0.000062%); highest among the groups gnomAD compares: Non-Finnish European, 0.000085%; no homozygotes.

Submission:

GeneDx
Classification: Likely benign. Last evaluated: 2017-04-21. Review status: criteria provided, single submitter. Criteria: GeneDx Variant Classification (06012015). Collection method: clinical testing. Allele origin: germline. Affected: yes.
Comment: This variant is considered likely benign or benign based on one or more of the following criteria: it is a conservative change, it occurs at a poorly conserved position in the protein, it is predicted to be benign by multiple in silico algorithms, and/or has population frequency not consistent with disease.